The following is an entry in ClinVar:

ClinVar aggregate classification (germline): Likely benign. Review status: criteria provided, single submitter (1 of 4 stars). 2 submissions from 2 submitters: Likely benign (1). 1 of the submissions does not count toward it. Last evaluated 2023-07-22.

Conditions:
COL4A1-related disorder. Also called: COL4A1-related disorders; COL4A1-related condition. Identifiers: MedGen CN376119, MONDO:0800461.

Allele frequency attached by ClinVar (database versions not stated): ExAC 0.00001; gnomAD 0.00001; gnomAD exomes 0.00001; TOPMed 0.00002.
gnomAD v4.1: 21 of 1,614,096 alleles (0.0013%); highest among the groups gnomAD compares: South Asian, 0.0022%; no homozygotes.

Submissions (2):

Labcorp Genetics (formerly Invitae), Labcorp
Classification: Likely benign. Last evaluated: 2023-07-22. Review status: criteria provided, single submitter. Criteria: Invitae Variant Classification Sherloc (09022015). Collection method: clinical testing. Allele origin: germline.

PreventionGenetics, part of Exact Sciences
Classification: Likely benign for COL4A1-related condition. Last evaluated: 2020-10-16. Review status: no assertion criteria provided. Collection method: clinical testing. Allele origin: germline. Not counted in ClinVar's aggregate classification.
Comment: This variant is classified as likely benign based on ACMG/AMP sequence variant interpretation guidelines (Richards et al. 2015 PMID: 25741868, with internal and published modifications).

NM_001845.6(COL4A1):c.4851C>T (p.His1617=)

Gene: COL4A1 (collagen type IV alpha 1 chain; minus strand). Cytogenetic location: 13q34.
Variant type: single nucleotide variant.
Coding change: c.4851C>T on transcript NM_001845.6 (MANE Select); coding-DNA position 4851, C replaced by T.
Protein change: p.His1617=; no amino-acid change (histidine 1617 retained).
Molecular consequence: synonymous variant.
Genome position (GRCh38, 1-based): chr13:110,152,411, G>A on the plus strand (C>T on the coding strand, the complement: COL4A1 is on the minus strand). VCF-style: chr13-110152411-G-A. GRCh37 (hg19) VCF-style: chr13-110804758-G-A.
Identifiers: ClinVar variation 762723 (VCV000762723.9), dbSNP rs748558670, ClinGen allele CA7046786.